The following is an entry in ClinVar:

NM_002755.4(MAP2K1):c.967C>T (p.Pro323Ser)

Gene: MAP2K1 (mitogen-activated protein kinase kinase 1; plus strand). Cytogenetic location: 15q22.31.
Variant type: single nucleotide variant.
Coding change: c.967C>T on transcript NM_002755.4 (MANE Select); coding-DNA position 967, C replaced by T.
Protein change: p.Pro323Ser; replaces proline 323 with serine.
Molecular consequence: missense variant.
Genome position (GRCh38, 1-based): chr15:66,489,221, C>T. VCF-style: chr15-66489221-C-T. GRCh37 (hg19) VCF-style: chr15-66781559-C-T.
Other names: c.823C>T, p.Pro275Ser (NM_001411065.1); short protein forms P275S, P323S.
Identifiers: ClinVar variation 1767767 (VCV001767767.2), dbSNP rs1301109791, ClinGen allele CA392938135.

ClinVar aggregate classification (germline): Uncertain significance (1 of 4 stars; one submission).

Conditions:
Cardiovascular phenotype. Identifiers: MedGen CN230736.

Allele frequency attached by ClinVar (database versions not stated): TOPMed below 0.00001; gnomAD 0.00001.
gnomAD v4.1: 1 of 1,613,888 alleles (0.000062%); highest among the groups gnomAD compares: Non-Finnish European, 0.000085%; no homozygotes.

Submission:

Ambry Genetics
Classification: Uncertain significance for Cardiovascular phenotype. Last evaluated: 2021-07-04. Review status: criteria provided, single submitter. Criteria: Ambry Variant Classification Scheme 2023. Collection method: clinical testing. Allele origin: germline.
Comment: The p.P323S variant (also known as c.967C>T), located in coding exon 9 of the MAP2K1 gene, results from a C to T substitution at nucleotide position 967. The proline at codon 323 is replaced by serine, an amino acid with similar properties. This amino acid position is conserved. In addition, this alteration is predicted to be deleterious by in silico analysis. Since supporting evidence is limited at this time, the clinical significance of this alteration remains unclear.